The following is an entry in ClinVar:

ClinVar aggregate classification (germline): Uncertain significance (1 of 4 stars; one submission).

Allele frequency attached by ClinVar (database versions not stated): gnomAD exomes 0.00003; TOPMed 0.00003; ExAC 0.00004; gnomAD 0.00001; ESP Exome Variant Server 0.00015.
gnomAD v4.1: 50 of 1,613,280 alleles (0.0031%); highest among the groups gnomAD compares: Non-Finnish European, 0.004%; no homozygotes.

Submission:

Labcorp Genetics (formerly Invitae), Labcorp
Classification: Uncertain significance. Last evaluated: 2025-11-12. Review status: criteria provided, single submitter. Criteria: Invitae Variant Classification Sherloc (09022015). Collection method: clinical testing. Allele origin: germline.
Comment: This sequence change replaces arginine, which is basic and polar, with tryptophan, which is neutral and slightly polar, at codon 108 of the ABL1 protein (p.Arg108Trp). This variant is present in population databases (rs375582718, gnomAD 0.005%). This variant has not been reported in the literature in individuals affected with ABL1-related conditions. ClinVar contains an entry for this variant (Variation ID: 2894127). Invitae Evidence Modeling of protein sequence and biophysical properties (such as structural, functional, and spatial information, amino acid conservation, physicochemical variation, residue mobility, and thermodynamic stability) indicates that this missense variant is not expected to disrupt ABL1 protein function with a negative predictive value of 80%. In summary, the available evidence is currently insufficient to determine the role of this variant in disease. Therefore, it has been classified as a Variant of Uncertain Significance.

NM_005157.6(ABL1):c.265C>T (p.Arg89Trp)

Gene: ABL1 (ABL proto-oncogene 1, non-receptor tyrosine kinase; plus strand). Cytogenetic location: 9q34.12.
Variant type: single nucleotide variant.
Coding change: c.265C>T on transcript NM_005157.6 (MANE Select); coding-DNA position 265, C replaced by T.
Protein change: p.Arg89Trp; replaces arginine 89 with tryptophan.
Molecular consequence: missense variant.
Genome position (GRCh38, 1-based): chr9:130,854,812, C>T. VCF-style: chr9-130854812-C-T. GRCh37 (hg19) VCF-style: chr9-133730199-C-T.
Other names: c.322C>T, p.Arg108Trp (NM_007313.3); short protein forms R108W, R89W.
Identifiers: ClinVar variation 2894127 (VCV002894127.3), dbSNP rs375582718, ClinGen allele CA5285199.